The following is an entry in ClinVar:

ClinVar aggregate classification (germline): Pathogenic (1 of 4 stars; one submission).

Conditions:
Polycystic kidney disease, adult type (PKD1). Also called: Polycystic Kidney Disease 1, Autosomal Dominant; POLYCYSTIC KIDNEY DISEASE, ADULT, TYPE I; Polycystic kidney disease 1; Polycystic kidney disease 1, severe; POLYCYSTIC KIDNEY DISEASE 1 WITH OR WITHOUT POLYCYSTIC LIVER DISEASE; Polycystic Kidney, Autosomal Dominant. Identifiers: MedGen C3149841, MONDO:0008263, OMIM 173900.

Submission:

MVZ Medizinische Genetik Mainz
Classification: Pathogenic for Polycystic kidney disease, adult type. Last evaluated: 2026-04-02. Review status: criteria provided, single submitter. Criteria: UK Practice Guidelines For Variant Classification V4 01 2020. Collection method: clinical testing. Allele origin: germline. Inheritance: Autosomal dominant inheritance. Affected: yes. Observed: 1 variant allele.
Comment: ACMG Criteria: PVS1,PM2_SUP,PP4

NM_001009944.3(PKD1):c.837del (p.His281fs)

Gene: PKD1 (polycystin 1, transient receptor potential channel interacting; minus strand). Cytogenetic location: 16p13.3.
Variant type: Deletion.
Coding change: c.837del on transcript NM_001009944.3 (MANE Select); coding-DNA position 837, one base deleted (G; older notation c.837delG).
Protein change: p.His281fs; shifts the reading frame from histidine 281.
Molecular consequence: frameshift variant.
Genome position (GRCh38, 1-based): chr16:2,118,155, C deleted on the plus strand (G on the coding strand, the reverse complement: PKD1 is on the minus strand); the first of 4 consecutive C bases (chr16:2,118,155-2,118,158); deleting any one gives the same sequence. VCF-style (leftmost placement, unchanged base first): chr16-2118154-GC-G. GRCh37 (hg19) VCF-style: chr16-2168155-GC-G.
Other names: c.837del, p.His281fs (NM_000296.4); short protein forms H281fs.
Identifiers: ClinVar variation 5038086 (VCV005038086.1).